The following is an entry in ClinVar:

ClinVar aggregate classification (germline): Conflicting classifications of pathogenicity. Review status: criteria provided, conflicting classifications (1 of 4 stars). 3 submissions from 3 submitters: Uncertain significance (2); Likely benign (1). Last evaluated 2025-06-17.

Conditions:
Dystonia 12 (DYT12). Also called: DYT-ATP1A3; Rapid-Onset Dystonia-Parkinsonism (RDP). Identifiers: Orphanet 71517, MedGen C1868681, MONDO:0007496, OMIM 128235.

Allele frequency attached by ClinVar (database versions not stated): TOPMed 0.00003; gnomAD exomes 0.00006 and 0.00010; ExAC 0.00007; ESP Exome Variant Server 0.00008; gnomAD 0.00010.
gnomAD v4.1: 101 of 1,614,104 alleles (0.0063%); highest among the groups gnomAD compares: Admixed American, 0.005%; no homozygotes.

Submissions (3):

Labcorp Genetics (formerly Invitae), Labcorp
Classification: Likely benign for Dystonia 12. Last evaluated: 2025-06-17. Review status: criteria provided, single submitter. Criteria: Invitae Variant Classification Sherloc (09022015). Collection method: clinical testing. Allele origin: germline.

CeGaT Center for Human Genetics Tuebingen
Classification: Uncertain significance. Last evaluated: 2023-08-01. Review status: criteria provided, single submitter. Criteria: CeGaT Center For Human Genetics Tuebingen Variant Classification Criteria Version 2. Collection method: clinical testing. Allele origin: germline. Affected: yes. Observed: 1 variant allele.
Comment: ATP1A3: PP2

Genetic Services Laboratory, University of Chicago
Classification: Uncertain significance. Last evaluated: 2016-04-18. Review status: criteria provided, single submitter. Criteria: ACMG Guidelines, 2015. Collection method: clinical testing. Allele origin: germline. Affected: no.

NM_152296.5(ATP1A3):c.2489G>A (p.Arg830Gln)

Gene: ATP1A3 (ATPase Na+/K+ transporting subunit alpha 3; minus strand). Cytogenetic location: 19q13.2.
Variant type: single nucleotide variant.
Coding change: c.2489G>A on transcript NM_152296.5 (MANE Select); coding-DNA position 2489, G replaced by A.
Protein change: p.Arg830Gln; replaces arginine 830 with glutamine.
Molecular consequence: missense variant.
Genome position (GRCh38, 1-based): chr19:41,970,238, C>T on the plus strand (G>A on the coding strand, the complement: ATP1A3 is on the minus strand). VCF-style: chr19-41970238-C-T. GRCh37 (hg19) VCF-style: chr19-42474390-C-T.
Other names: c.2522G>A, p.Arg841Gln (NM_001256213.2); c.2528G>A, p.Arg843Gln (NM_001256214.2); short protein forms R830Q, R843Q, R841Q.
Identifiers: ClinVar variation 434442 (VCV000434442.41), dbSNP rs368371895, ClinGen allele CA9467372.